The following is an entry in ClinVar:

NM_001330260.2(SCN8A):c.1426A>C (p.Ser476Arg)

Gene: SCN8A (sodium voltage-gated channel alpha subunit 8; plus strand). Cytogenetic location: 12q13.13.
Variant type: single nucleotide variant.
Coding change: c.1426A>C on transcript NM_001330260.2 (MANE Select); coding-DNA position 1426, A replaced by C.
Protein change: p.Ser476Arg; replaces serine 476 with arginine.
Molecular consequence: missense variant.
Genome position (GRCh38, 1-based): chr12:51,706,506, A>C. VCF-style: chr12-51706506-A-C. GRCh37 (hg19) VCF-style: chr12-52100290-A-C.
Other names: c.1426A>C, p.Ser476Arg (NM_001177984.3, NM_001369788.1, NM_014191.4); short protein forms S476R.
Identifiers: ClinVar variation 406254 (VCV000406254.9), dbSNP rs1060501008, ClinGen allele CA16614141.

ClinVar aggregate classification (germline): Uncertain significance (1 of 4 stars; one submission).

Conditions:
Early-infantile DEE. Also called: Early infantile epileptic encephalopathy; Early infantile epileptic encephalopathy with suppression bursts; Ohtahara syndrome. Identifiers: Orphanet 1934, MedGen C0393706, MONDO:0800491.

Allele frequency attached by ClinVar (database versions not stated): gnomAD exomes below 0.00001.
gnomAD v4.1: 3 of 1,605,278 alleles (0.00019%); highest among the groups gnomAD compares: Non-Finnish European, 0.00017%; no homozygotes.

Submission:

Labcorp Genetics (formerly Invitae), Labcorp
Classification: Uncertain significance for Early-infantile DEE. Last evaluated: 2016-08-16. Review status: criteria provided, single submitter. Criteria: Invitae Variant Classification Sherloc (09022015). Collection method: clinical testing. Allele origin: germline.
Comment: This variant is not present in population databases (ExAC no frequency) and has not been reported in the literature in individuals with a SCN8A-related disease. In summary, this variant is a novel missense change with uncertain impact on protein function. It has been classified as a Variant of Uncertain Significance. Algorithms developed to predict the effect of missense changes on protein structure and function do not agree on the potential impact of this missense change (SIFT: "Deleterious"; PolyPhen-2: "Benign"; Align-GVGD: "Class C0"). This sequence change replaces serine with arginine at codon 476 of the SCN8A protein (p.Ser476Arg). The serine residue is highly conserved and there is a moderate physicochemical difference between serine and arginine.